The following is an entry in ClinVar:

ClinVar aggregate classification (germline): Uncertain significance (1 of 4 stars; one submission).

Conditions:
Inborn genetic diseases. Identifiers: MedGen C0950123, MeSH D030342.

gnomAD v4.1: 1 of 1,614,140 alleles (0.000062%); highest among the groups gnomAD compares: Non-Finnish European, 0.000085%; no homozygotes.

Submission:

Ambry Genetics
Classification: Uncertain significance for Inborn genetic diseases. Last evaluated: 2025-05-23. Review status: criteria provided, single submitter. Criteria: Ambry Variant Classification Scheme 2023. Collection method: clinical testing. Allele origin: germline.
Comment: The p.H56Y variant (also known as c.166C>T), located in coding exon 2 of the HAX1 gene, results from a C to T substitution at nucleotide position 166. The histidine at codon 56 is replaced by tyrosine, an amino acid with similar properties. This amino acid position is conserved. In addition, this alteration is predicted to be tolerated by in silico analysis. Based on the available evidence, the clinical significance of this variant remains unclear.

NM_006118.4(HAX1):c.166C>T (p.His56Tyr)

Gene: HAX1 (HCLS1 associated protein X-1; plus strand). Cytogenetic location: 1q21.3.
Variant type: single nucleotide variant.
Coding change: c.166C>T on transcript NM_006118.4 (MANE Select); coding-DNA position 166, C replaced by T.
Protein change: p.His56Tyr; replaces histidine 56 with tyrosine.
Molecular consequence: missense variant. On other transcripts: intron variant (1).
Genome position (GRCh38, 1-based): chr1:154,273,448, C>T. VCF-style: chr1-154273448-C-T. GRCh37 (hg19) VCF-style: chr1-154245924-C-T.
Other names: c.54-32C>T (NM_001018837.2); short protein forms H56Y.
Identifiers: ClinVar variation 4033865 (VCV004033865.1).